The following is an entry in ClinVar:

ClinVar aggregate classification (germline): Likely benign. Review status: criteria provided, multiple submitters, no conflicts (2 of 4 stars). 2 submissions from 2 submitters: Likely benign (2). Last evaluated 2026-06-09.

Conditions:
Tumor predisposition syndrome 2 (TPDS2). Also called: MBD4-ASSOCIATED NEOPLASIA SYNDROME; MBD4-Related Tumor Predisposition Syndrome; MBD4-associated neoplasia syndrome (MANS). Identifiers: Orphanet 661526, MedGen C5774186, MONDO:0859267, OMIM 619975.

Allele frequency attached by ClinVar (database versions not stated): gnomAD 0.00001.

Submissions (2):

Myriad Genetics, Inc.
Classification: Likely benign for Tumor predisposition syndrome 2. Last evaluated: 2026-06-09. Review status: criteria provided, single submitter. Criteria: Myriad Autosomal Dominant, Autosomal Recessive and X-Linked Classification Criteria (2023). Collection method: clinical testing. Allele origin: unknown.
Comment: This variant is considered likely benign. This variant is intronic and is not expected to impact mRNA splicing.

Labcorp Genetics (formerly Invitae), Labcorp
Classification: Likely benign. Last evaluated: 2026-01-27. Review status: criteria provided, single submitter. Criteria: Invitae Variant Classification Sherloc (09022015). Collection method: clinical testing. Allele origin: germline.

NM_001276270.2(MBD4):c.1259-15A>C

Gene: MBD4 (methyl-CpG binding domain 4, DNA glycosylase; minus strand). Cytogenetic location: 3q21.3.
Variant type: single nucleotide variant.
Coding change: c.1259-15A>C on transcript NM_001276270.2 (MANE Select); 15 bases into the intron before coding-DNA position 1259, A replaced by C.
Molecular consequence: intron variant.
Genome position (GRCh38, 1-based): chr3:129,433,999, T>G on the plus strand (A>C on the coding strand, the complement: MBD4 is on the minus strand). VCF-style: chr3-129433999-T-G. GRCh37 (hg19) VCF-style: chr3-129152842-T-G.
Other names: c.323-15A>C (NM_001276273.2); c.1277-15A>C (NM_001276272.2, NM_003925.3, NM_001276271.2).
Identifiers: ClinVar variation 2871203 (VCV002871203.4), dbSNP rs746052367, ClinGen allele CA2605349.
Genomic context (GRCh38, chr3:129,433,999, plus strand): 5'-GGAGGTGTCCATTTCTTAAAGGCTTTACGTCGTGGGGGGCTAAGAGCTAAACAAACATAG[T>G]GCATCAGAATTGAAAACCCAAAATGGAATTAGAATTTGCTGTTCTGATTGGGAAAGGGAT-3'